The following is an entry in ClinVar:

NM_024753.5(TTC21B):c.1002G>T (p.Met334Ile)

Gene: TTC21B (tetratricopeptide repeat domain 21B; minus strand). Cytogenetic location: 2q24.3.
Variant type: single nucleotide variant.
Coding change: c.1002G>T on transcript NM_024753.5 (MANE Select); coding-DNA position 1002, G replaced by T.
Protein change: p.Met334Ile; replaces methionine 334 with isoleucine.
Molecular consequence: missense variant.
Genome position (GRCh38, 1-based): chr2:165,930,257, C>A on the plus strand (G>T on the coding strand, the complement: TTC21B is on the minus strand). VCF-style: chr2-165930257-C-A. GRCh37 (hg19) VCF-style: chr2-166786767-C-A.
Other names: c.1002G>T (NM_024753.4); short protein forms M334I.
Identifiers: ClinVar variation 3584630 (VCV003584630.2).
Genomic context (GRCh38, chr2:165,930,257, plus strand): 5'-ATCAAGTGTCATGGCGGTCTTATACCACTTCAGTGCCTCTTTAACTCTTCCTTGTAAAAT[C>A]ATTTGGTATCCAAGTTCTGTAGCAAATTCTGATTGCTGAGGGTTTAAACTAAAAGCTCTC-3'
Protein context (NP_079029.3, residues 324-344): SEFATELGYQ[Met334Ile]ILQGRVKEAL

ClinVar aggregate classification (germline): Uncertain significance. Review status: criteria provided, multiple submitters, no conflicts (2 of 4 stars). 2 submissions from 2 submitters: Uncertain significance (2). Last evaluated 2026-07-28.

Conditions:
Nephronophthisis 12 (NPHP12). Identifiers: Orphanet 655, MedGen C3151186, MONDO:0013442, OMIM 613820.
Asphyxiating thoracic dystrophy 4 (SRTD4). Also called: SHORT-RIB THORACIC DYSPLASIA 4 WITH OR WITHOUT POLYDACTYLY; SHORT-RIB THORACIC DYSPLASIA 4. Identifiers: Orphanet 474, MedGen C3151185, MONDO:0013441, OMIM 613819.
TTC21B-related disorder. Also called: TTC21B-related disorders; TTC21B-related condition.

gnomAD v4.1: 1 of 1,613,150 alleles (0.000062%); highest among the groups gnomAD compares: Non-Finnish European, 0.000085%; no homozygotes.

Submissions (2):

PreventionGenetics, part of Exact Sciences
Classification: Uncertain significance for TTC21B-related condition. Last evaluated: 2026-07-28. Review status: criteria provided, single submitter. Criteria: ACMG Guidelines, 2015. Collection method: clinical testing. Allele origin: germline.
Comment: The TTC21B c.1002G>T variant is predicted to result in the amino acid substitution p.Met334Ile. To our knowledge, this variant has not been reported in the literature or in a large population database (gnomAD), indicating this variant is rare. At this time, the clinical significance of this variant is uncertain due to the absence of conclusive functional and genetic evidence.

Fulgent Genetics
Classification: Uncertain significance for Asphyxiating thoracic dystrophy 4; Nephronophthisis 12. Last evaluated: 2024-02-19. Review status: criteria provided, single submitter. Criteria: ACMG Guidelines, 2015. Collection method: clinical testing. Allele origin: germline.